The following is an entry in ClinVar:

ClinVar aggregate classification (germline): Uncertain significance (1 of 4 stars; one submission).

Submission:

GeneDx
Classification: Uncertain significance. Last evaluated: 2023-12-20. Review status: criteria provided, single submitter. Criteria: GeneDx Variant Classification Process June 2021. Collection method: clinical testing. Allele origin: germline. Affected: yes.
Comment: Frameshift variant predicted to result in protein truncation or nonsense mediated decay in a gene or region of a gene for which loss of function is not a well-established mechanism of disease; Not observed at significant frequency in large population cohorts (gnomAD); Has not been previously published as pathogenic or benign to our knowledge; Variants in candidate genes are classified as variants of uncertain significance in accordance with ACMG guidelines (PMID: 25741868)

NM_015030.2(FRYL):c.7998_8001del (p.Ser2669fs)

Gene: FRYL (FRY like transcription coactivator; minus strand). Cytogenetic location: 4p11.
Variant type: Deletion.
Coding change: c.7998_8001del on transcript NM_015030.2 (MANE Select); coding-DNA positions 7998 to 8001, 4 bases deleted (ATTT; older notation c.7998_8001delATTT).
Protein change: p.Ser2669fs; shifts the reading frame from serine 2669.
Molecular consequence: frameshift variant.
Genome position (GRCh38, 1-based): chr4:48,512,625-48,512,628, AAAT deleted on the plus strand (ATTT on the coding strand, the reverse complement: FRYL is on the minus strand). VCF-style (leftmost placement, unchanged base first): chr4-48512624-GAAAT-G. GRCh37 (hg19) VCF-style: chr4-48514641-GAAAT-G.
Other names: short protein forms S2669fs.
Identifiers: ClinVar variation 3365873 (VCV003365873.1).